The following is an entry in ClinVar:

NM_001253697.2(ERBIN):c.4131+6T>C

Gene: ERBIN (erbb2 interacting protein; plus strand). Cytogenetic location: 5q12.3.
Variant type: single nucleotide variant.
Coding change: c.4131+6T>C on transcript NM_001253697.2 (MANE Select); 6 bases into the intron after coding-DNA position 4131, T replaced by C.
Molecular consequence: intron variant.
Genome position (GRCh38, 1-based): chr5:66,076,955, T>C. VCF-style: chr5-66076955-T-C. GRCh37 (hg19) VCF-style: chr5-65372783-T-C.
Other names: c.4152+6T>C (NM_001253699.2); c.4008+6T>C (NM_018695.4); c.3933+547T>C (NM_001253698.2); c.3801+6T>C (NM_001006600.3); c.3996+6T>C (NM_001253701.2).
Identifiers: ClinVar variation 1520004 (VCV001520004.6), dbSNP rs906325714, ClinGen allele CA119878184.
Genomic context (GRCh38, chr5:66,076,955, plus strand): 5'-ACAACCTGAAGGACCAGCATCAAAATTACTGCAGCCAGGTGATAAAATTATTCAGGTAAT[T>C]AAAATAAATCTTTTTTTTTTTCATTTTATAACACTCTAATGTTTTCACAGTTTAAAATGT-3'

ClinVar aggregate classification (germline): Uncertain significance (1 of 4 stars; one submission).

Allele frequency attached by ClinVar (database versions not stated): TOPMed below 0.00001; gnomAD 0.00001; gnomAD exomes 0.00001.
gnomAD v4.1: 11 of 1,565,494 alleles (0.0007%); highest among the groups gnomAD compares: Non-Finnish European, 0.00096%; no homozygotes.

Submission:

Labcorp Genetics (formerly Invitae), Labcorp
Classification: Uncertain significance. Last evaluated: 2023-10-27. Review status: criteria provided, single submitter. Criteria: Invitae Variant Classification Sherloc (09022015). Collection method: clinical testing. Allele origin: germline.
Comment: This sequence change falls in intron 25 of the ERBIN gene. It does not directly change the encoded amino acid sequence of the ERBIN protein. It affects a nucleotide within the consensus splice site. This variant is not present in population databases (gnomAD no frequency). This variant has not been reported in the literature in individuals affected with ERBIN-related conditions. ClinVar contains an entry for this variant (Variation ID: 1520004). Variants that disrupt the consensus splice site are a relatively common cause of aberrant splicing (PMID: 17576681, 9536098). Algorithms developed to predict the effect of sequence changes on RNA splicing suggest that this variant is not likely to affect RNA splicing. In summary, the available evidence is currently insufficient to determine the role of this variant in disease. Therefore, it has been classified as a Variant of Uncertain Significance.

Literature cited by the submitters: PubMed 17576681; PubMed 9536098.